The following is an entry in ClinVar:

NM_006412.4(AGPAT2):c.119T>C (p.Val40Ala)

Gene: AGPAT2 (1-acylglycerol-3-phosphate O-acyltransferase 2; minus strand). Cytogenetic location: 9q34.3.
Variant type: single nucleotide variant.
Coding change: c.119T>C on transcript NM_006412.4 (MANE Select); coding-DNA position 119, T replaced by C.
Protein change: p.Val40Ala; replaces valine 40 with alanine.
Molecular consequence: missense variant.
Genome position (GRCh38, 1-based): chr9:136,687,239, A>G on the plus strand (T>C on the coding strand, the complement: AGPAT2 is on the minus strand). VCF-style: chr9-136687239-A-G. GRCh37 (hg19) VCF-style: chr9-139581691-A-G.
Other names: c.119T>C, p.Val40Ala (NM_001012727.2); short protein forms V40A.
Identifiers: ClinVar variation 2078657 (VCV002078657.4), dbSNP rs972288593, ClinGen allele CA201641437.

ClinVar aggregate classification (germline): Uncertain significance (1 of 4 stars; one submission).

Allele frequency attached by ClinVar (database versions not stated): gnomAD exomes 0.00001; gnomAD 0.00004; TOPMed 0.00005.
gnomAD v4.1: 17 of 1,594,544 alleles (0.0011%); highest among the groups gnomAD compares: African/African-American, 0.021%; no homozygotes.

Submission:

Labcorp Genetics (formerly Invitae), Labcorp
Classification: Uncertain significance. Last evaluated: 2025-06-12. Review status: criteria provided, single submitter. Criteria: Invitae Variant Classification Sherloc (09022015). Collection method: clinical testing. Allele origin: germline.
Comment: This sequence change replaces valine, which is neutral and non-polar, with alanine, which is neutral and non-polar, at codon 40 of the AGPAT2 protein (p.Val40Ala). This variant is present in population databases (no rsID available, gnomAD 0.02%). This variant has not been reported in the literature in individuals affected with AGPAT2-related conditions. ClinVar contains an entry for this variant (Variation ID: 2078657). Invitae Evidence Modeling of protein sequence and biophysical properties (such as structural, functional, and spatial information, amino acid conservation, physicochemical variation, residue mobility, and thermodynamic stability) indicates that this missense variant is not expected to disrupt AGPAT2 protein function with a negative predictive value of 80%. In summary, the available evidence is currently insufficient to determine the role of this variant in disease. Therefore, it has been classified as a Variant of Uncertain Significance.